The following is an entry in ClinVar:

ClinVar aggregate classification (germline): Likely pathogenic (1 of 4 stars; one submission).

Conditions:
Thyroid dyshormonogenesis 6 (TDH6). Also called: Genetic transient congenital hypothyroidism; THYROID HORMONOGENESIS, GENETIC DEFECT IN, 6; HYPOTHYROIDISM, CONGENITAL, DUE TO DYSHORMONOGENESIS, 6. Identifiers: Orphanet 226316, Orphanet 95716, MedGen C1846632, MONDO:0011792, OMIM 607200.

Submission:

Juno Genomics, Hangzhou Juno Genomics, Inc
Classification: Likely pathogenic for Thyroid dyshormonogenesis 6. Review status: criteria provided, single submitter. Criteria: ACMG Guidelines, 2015. Collection method: clinical testing. Allele origin: germline.
Comment: Null variant in a gene where loss of function (LOF) is a known mechanism of disease.;Absent from controls (or at extremely low frequency if recessive) in Genome Aggregation Database.

NM_001363711.2(DUOX2):c.828G>A (p.Trp276Ter)

Gene: DUOX2 (dual oxidase 2; minus strand). Cytogenetic location: 15q21.1.
Variant type: single nucleotide variant.
Coding change: c.828G>A on transcript NM_001363711.2 (MANE Select); coding-DNA position 828, G replaced by A.
Protein change: p.Trp276Ter; replaces tryptophan 276 with a stop codon.
Molecular consequence: nonsense.
Genome position (GRCh38, 1-based): chr15:45,111,165, C>T on the plus strand (G>A on the coding strand, the complement: DUOX2 is on the minus strand). VCF-style: chr15-45111165-C-T. GRCh37 (hg19) VCF-style: chr15-45403363-C-T.
Other names: c.828G>A, p.Trp276Ter (NM_014080.5); short protein forms W276*.
Identifiers: ClinVar variation 5005415 (VCV005005415.2).